The following is an entry in ClinVar:

ClinVar aggregate classification (germline): Likely benign. Review status: criteria provided, multiple submitters, no conflicts (2 of 4 stars). 2 submissions from 2 submitters: Likely benign (2). Last evaluated 2026-05-24.

Conditions:
Hereditary cancer-predisposing syndrome. Also called: Tumor predisposition; Hereditary neoplastic syndrome; Neoplastic Syndromes, Hereditary; Hereditary Cancer Syndrome. Identifiers: Orphanet 140162, MedGen C0027672, MeSH D009386, MONDO:0015356.
Breast-ovarian cancer, familial, susceptibility to, 2 (BROVCA2). Also called: BRCA2 Hereditary Breast and Ovarian Cancer. Identifiers: Orphanet 145, MedGen C2675520, MONDO:0012933, OMIM 612555. Disease mechanism: loss of function.

Submissions (2):

Ambry Genetics
Classification: Likely benign for Hereditary cancer-predisposing syndrome. Last evaluated: 2026-05-24. Review status: criteria provided, single submitter. Criteria: Ambry Variant Classification Scheme 2023. Collection method: clinical testing. Allele origin: germline.

All of Us Research Program, National Institutes of Health
Classification: Likely benign for Breast-ovarian cancer, familial, susceptibility to, 2. Last evaluated: 2023-10-06. Review status: criteria provided, single submitter. Criteria: ACMG Guidelines, 2015. Collection method: clinical testing. Allele origin: germline. Inheritance: Autosomal dominant inheritance. Observed: 1 variant allele, 1 heterozygote.
Comment: This study involves interpretation of variants in research participants for the purpose of population health screening. Participant phenotype was not available at the time of variant classification. Additional details can be found in publication PMID: 35346344, PMCID: PMC8962531

NM_000059.4(BRCA2):c.9636A>G (p.Gly3212=)

Gene: BRCA2 (BRCA2 DNA repair associated; plus strand). Cytogenetic location: 13q13.1.
Variant type: single nucleotide variant.
Coding change: c.9636A>G on transcript NM_000059.4 (MANE Select); coding-DNA position 9636, A replaced by G.
Protein change: p.Gly3212=; no amino-acid change (glycine 3212 retained).
Molecular consequence: synonymous variant. On other transcripts: non-coding transcript variant (1).
Genome position (GRCh38, 1-based): chr13:32,397,032, A>G. VCF-style: chr13-32397032-A-G. GRCh37 (hg19) VCF-style: chr13-32971169-A-G.
Other names: c.9540A>G, p.Gly3180= (NM_001406719.1); c.9585A>G, p.Gly3195= (NM_001406720.1); c.4704A>G, p.Gly1568= (NM_001406721.1); c.3219A>G, p.Gly1073= (NM_001406722.1).
Identifiers: ClinVar variation 3073799 (VCV003073799.2), dbSNP rs1430263973, ClinGen allele CA483272025.
Genomic context (GRCh38, chr13:32,397,032, plus strand): 5'-CACCCCAACTAAAGACTGTACTTCAGGGCCGTACACTGCTCAAATCATTCCTGGTACAGG[A>G]AACAAGCTTCTGGTAAGTTAATGTAAACTCAAGGAATATTATAAGAAGTATATATGGAGG-3'
Protein context (NP_000050.3, residues 3202-3222): PYTAQIIPGT[Gly3212=]NKLLMSSPNC